The following is an entry in ClinVar:

ClinVar aggregate classification (germline): Uncertain significance (1 of 4 stars; one submission).

Conditions:
Norman-Roberts syndrome (LIS2). Also called: Lissencephaly 2 (Norman-Roberts type). Identifiers: Orphanet 89844, MedGen C0796089, MONDO:0009760, OMIM 257320.
Familial temporal lobe epilepsy 7. Identifiers: Orphanet 101046, MedGen C4225327, MONDO:0014639, OMIM 616436.

Submission:

Labcorp Genetics (formerly Invitae), Labcorp
Classification: Uncertain significance for Familial temporal lobe epilepsy 7; Norman-Roberts syndrome. Last evaluated: 2025-08-10. Review status: criteria provided, single submitter. Criteria: Invitae Variant Classification Sherloc (09022015). Collection method: clinical testing. Allele origin: germline.
Comment: This sequence change replaces arginine, which is basic and polar, with asparagine, which is neutral and polar, at codon 649 of the RELN protein (p.Arg649Asn). Information on the frequency of this variant in the gnomAD database is not available, as this variant may be reported differently in the database. This variant has not been reported in the literature in individuals affected with RELN-related conditions. An algorithm developed to predict the effect of missense changes on protein structure and function (PolyPhen-2) suggests that this variant is likely to be disruptive. In summary, the available evidence is currently insufficient to determine the role of this variant in disease. Therefore, it has been classified as a Variant of Uncertain Significance.

NM_005045.4(RELN):c.1946_1947delinsAT (p.Arg649Asn)

Gene: RELN (reelin; minus strand). Cytogenetic location: 7q22.1.
Variant type: Indel.
Coding change: c.1946_1947delinsAT on transcript NM_005045.4 (MANE Select); coding-DNA positions 1946 to 1947, GG replaced by AT.
Protein change: p.Arg649Asn; replaces arginine 649 with asparagine.
Molecular consequence: missense variant.
Genome position (GRCh38, 1-based): chr7:103,650,329-103,650,330, CC replaced by AT on the plus strand (GG replaced by AT on the coding strand, the reverse complement: RELN is on the minus strand). VCF-style: chr7-103650329-CC-AT. GRCh37 (hg19) VCF-style: chr7-103290776-CC-AT.
Other names: c.1946_1947delinsAT, p.Arg649Asn (NM_173054.3); short protein forms R649N.
Identifiers: ClinVar variation 4792154 (VCV004792154.1).